The following is an entry in ClinVar:

ClinVar aggregate classification (germline): Uncertain significance (1 of 4 stars; one submission).

Conditions:
Deficiency of malonyl-CoA decarboxylase. Also called: Malonic aciduria; MCD deficiency. Identifiers: Orphanet 943, MedGen C0342793, MONDO:0009556, OMIM 248360.

Allele frequency attached by ClinVar (database versions not stated): gnomAD exomes below 0.00001.
gnomAD v4.1: 5 of 1,614,224 alleles (0.00031%); highest among the groups gnomAD compares: East Asian, 0.0022%; no homozygotes.

Submission:

Labcorp Genetics (formerly Invitae), Labcorp
Classification: Uncertain significance for Deficiency of malonyl-CoA decarboxylase. Last evaluated: 2019-10-29. Review status: criteria provided, single submitter. Criteria: Invitae Variant Classification Sherloc (09022015). Collection method: clinical testing. Allele origin: germline.
Comment: In summary, the available evidence is currently insufficient to determine the role of this variant in disease. Therefore, it has been classified as a Variant of Uncertain Significance. Algorithms developed to predict the effect of missense changes on protein structure and function (SIFT, PolyPhen-2, Align-GVGD) all suggest that this variant is likely to be tolerated, but these predictions have not been confirmed by published functional studies and their clinical significance is uncertain. This variant has not been reported in the literature in individuals with MLYCD-related conditions. This variant is not present in population databases (ExAC no frequency). This sequence change replaces serine with leucine at codon 344 of the MLYCD protein (p.Ser344Leu). The serine residue is moderately conserved and there is a large physicochemical difference between serine and leucine.

NM_012213.3(MLYCD):c.1031C>T (p.Ser344Leu)

Gene: MLYCD (malonyl-CoA decarboxylase; plus strand). Cytogenetic location: 16q23.3.
Variant type: single nucleotide variant.
Coding change: c.1031C>T on transcript NM_012213.3 (MANE Select); coding-DNA position 1031, C replaced by T.
Protein change: p.Ser344Leu; replaces serine 344 with leucine.
Molecular consequence: missense variant.
Genome position (GRCh38, 1-based): chr16:83,915,038, C>T. VCF-style: chr16-83915038-C-T. GRCh37 (hg19) VCF-style: chr16-83948643-C-T.
Other names: short protein forms S344L.
Identifiers: ClinVar variation 971765 (VCV000971765.9), dbSNP rs1294536971, ClinGen allele CA396919893.
Genomic context (GRCh38, chr16:83,915,038, plus strand): 5'-TGTTTTCAAGTCTGTCACCTATACCTGGTTTCACCAAATGGCTTCTGGGGCTTCTGAACT[C>T]GCAAACGAAGGAGCATGGGAGGAATGAACTCTTTACAGATTCGGAATGTAAGGAAATCTC-3'
Protein context (NP_036345.2, residues 334-354): FTKWLLGLLN[Ser344Leu]QTKEHGRNEL